The following is an entry in ClinVar:

NM_002361.4(MAG):c.940G>T (p.Asp314Tyr)

Gene: MAG (myelin associated glycoprotein; plus strand). Cytogenetic location: 19q13.12.
Variant type: single nucleotide variant.
Coding change: c.940G>T on transcript NM_002361.4 (MANE Select); coding-DNA position 940, G replaced by T.
Protein change: p.Asp314Tyr; replaces aspartic acid 314 with tyrosine.
Molecular consequence: missense variant.
Genome position (GRCh38, 1-based): chr19:35,300,374, G>T. VCF-style: chr19-35300374-G-T. GRCh37 (hg19) VCF-style: chr19-35791277-G-T.
Other names: c.865G>T, p.Asp289Tyr (NM_001199216.2); c.940G>T, p.Asp314Tyr (NM_080600.3); short protein forms D314Y, D289Y.
Identifiers: ClinVar variation 1377029 (VCV001377029.8), dbSNP rs202087211, ClinGen allele CA9376123.

ClinVar aggregate classification (germline): Uncertain significance (1 of 4 stars; one submission).

Conditions:
Hereditary spastic paraplegia 75. Also called: Spastic paraplegia 75, autosomal recessive. Identifiers: Orphanet 459056, MedGen C4225250, MONDO:0014729, OMIM 616680.

Allele frequency attached by ClinVar (database versions not stated): TOPMed below 0.00001; gnomAD exomes 0.00013; ExAC 0.00016.
gnomAD v4.1: 86 of 1,590,196 alleles (0.0054%); highest among the groups gnomAD compares: South Asian, 0.095%; 2 homozygotes.

Submission:

Labcorp Genetics (formerly Invitae), Labcorp
Classification: Uncertain significance for Hereditary spastic paraplegia 75. Last evaluated: 2020-11-27. Review status: criteria provided, single submitter. Criteria: Invitae Variant Classification Sherloc (09022015). Collection method: clinical testing. Allele origin: germline.
Comment: This sequence change replaces aspartic acid with tyrosine at codon 314 of the MAG protein (p.Asp314Tyr). The aspartic acid residue is moderately conserved and there is a large physicochemical difference between aspartic acid and tyrosine. This variant is present in population databases (rs202087211, ExAC 0.1%). This variant has not been reported in the literature in individuals with MAG-related conditions. Algorithms developed to predict the effect of missense changes on protein structure and function are either unavailable or do not agree on the potential impact of this missense change (SIFT: "Deleterious"; PolyPhen-2: "Benign"; Align-GVGD: "Class C0"). In summary, the available evidence is currently insufficient to determine the role of this variant in disease. Therefore, it has been classified as a Variant of Uncertain Significance.